The following is an entry in ClinVar:

ClinVar aggregate classification (germline): Pathogenic/Likely pathogenic. Review status: criteria provided, multiple submitters, no conflicts (2 of 4 stars). 2 submissions from 2 submitters: Pathogenic (1); Likely pathogenic (1). Last evaluated 2026-01-13.

Submissions (2):

Labcorp Genetics (formerly Invitae), Labcorp
Classification: Pathogenic. Last evaluated: 2026-01-13. Review status: criteria provided, single submitter. Criteria: Invitae Variant Classification Sherloc (09022015). Collection method: clinical testing. Allele origin: germline.
Comment: This sequence change creates a premature translational stop signal (p.Gln568Thrfs*36) in the AARS2 gene. It is expected to result in an absent or disrupted protein product. Loss-of-function variants in AARS2 are known to be pathogenic (PMID: 24808023, 30285085, 30819764). This variant is present in population databases (no rsID available, gnomAD 0.009%). This variant has not been reported in the literature in individuals affected with AARS2-related conditions. ClinVar contains an entry for this variant (Variation ID: 4082400). For these reasons, this variant has been classified as Pathogenic.

Genetic Services Laboratory, University of Chicago
Classification: Likely pathogenic. Last evaluated: 2024-10-31. Review status: criteria provided, single submitter. Criteria: ACMG Guidelines, 2015. Collection method: clinical testing. Allele origin: germline. Affected: yes.
Comment: DNA sequence analysis of the AARS2 gene demonstrated a single base pair duplication in exon 12, c.1701dup. This sequence change results in an amino acid frameshift and creates a premature stop codon 36 amino acids downstream of the change, p.Gln568Thrfs*36. This sequence change is predicted to result in an abnormal transcript, which may be degraded, or may lead to the production of a truncated AARS2 protein with potentially abnormal function. While this particular sequence change has not previously been described in the literature, other frameshift variants in the AARS2 gene have been described in several individuals with AARS2-related disorders (PMIDs: 27749956, 30706699, 24808023). This sequence change has been described in the gnomAD database with a frequency of 0.012% in the Latino/Admixed American subpopulation (dbSNP rs1206245568). Taken together, the available evidence suggests that this sequence change is likely pathogenic; however, functional studies have not been performed to prove this conclusively.

Literature cited by the submitters: PubMed 24808023 (cited by Labcorp Genetics (formerly Invitae), Labcorp); PubMed 30285085 (cited by Labcorp Genetics (formerly Invitae), Labcorp); PubMed 30819764 (cited by Labcorp Genetics (formerly Invitae), Labcorp).

NM_020745.4(AARS2):c.1701dup (p.Gln568fs)

Gene: AARS2 (alanyl-tRNA synthetase 2, mitochondrial; minus strand). Cytogenetic location: 6p21.1.
Variant type: Duplication.
Coding change: c.1701dup on transcript NM_020745.4 (MANE Select); coding-DNA position 1701, one base duplicated (A; older notation c.1701dupA).
Protein change: p.Gln568fs; shifts the reading frame from glutamine 568.
Molecular consequence: frameshift variant.
Genome position (GRCh38, 1-based): chr6:44,304,696, T duplicated on the plus strand (A on the coding strand, the reverse complement: AARS2 is on the minus strand); the first of 2 consecutive T bases (chr6:44,304,696-44,304,697); duplicating either gives the same sequence. VCF-style (leftmost placement, unchanged base first): chr6-44304695-G-GT. GRCh37 (hg19) VCF-style: chr6-44272432-G-GT.
Other names: short protein forms Q568fs.
Identifiers: ClinVar variation 4082400 (VCV004082400.3).